The following is an entry in ClinVar:

ClinVar aggregate classification (germline): Conflicting classifications of pathogenicity. Review status: criteria provided, conflicting classifications (1 of 4 stars). 3 submissions from 3 submitters: Uncertain significance (2); Benign (1). Last evaluated 2024-05-20.

Conditions:
Inborn genetic diseases. Identifiers: MedGen C0950123, MeSH D030342.
Autosomal dominant striatal neurodegeneration type 1. Identifiers: Orphanet 228169, MedGen C4310808, MONDO:0012205, OMIM 609161.

Allele frequency attached by ClinVar (database versions not stated): gnomAD 0.00002 and 0.00014; gnomAD exomes 0.00029 and 0.00047; 1000 Genomes Project 0.00080; ESP Exome Variant Server 0.00008; ExAC 0.00057; 1000 Genomes Project 30x 0.00062; TOPMed 0.00005.
gnomAD v4.1: 450 of 1,613,814 alleles (0.028%); highest among the groups gnomAD compares: South Asian, 0.43%; 2 homozygotes.

Submissions (3):

Ambry Genetics
Classification: Uncertain significance for Inborn genetic diseases. Last evaluated: 2024-05-20. Review status: criteria provided, single submitter. Criteria: Ambry Variant Classification Scheme 2023. Collection method: clinical testing. Allele origin: germline.

Labcorp Genetics (formerly Invitae), Labcorp
Classification: Uncertain significance. Last evaluated: 2022-06-15. Review status: criteria provided, single submitter. Criteria: Invitae Variant Classification Sherloc (09022015). Collection method: clinical testing. Allele origin: germline.
Comment: In summary, the available evidence is currently insufficient to determine the role of this variant in disease. Therefore, it has been classified as a Variant of Uncertain Significance. Algorithms developed to predict the effect of missense changes on protein structure and function (SIFT, PolyPhen-2, Align-GVGD) all suggest that this variant is likely to be tolerated. ClinVar contains an entry for this variant (Variation ID: 907272). This variant has not been reported in the literature in individuals affected with PDE8B-related conditions. The frequency data for this variant in the population databases is considered unreliable, as metrics indicate poor data quality at this position in the gnomAD database. This sequence change replaces serine, which is neutral and polar, with leucine, which is neutral and non-polar, at codon 198 of the PDE8B protein (p.Ser198Leu).

Illumina Laboratory Services, Illumina
Classification: Benign for Autosomal dominant striatal neurodegeneration type 1. Last evaluated: 2018-01-13. Review status: criteria provided, single submitter. Criteria: ICSL Variant Classification Criteria 13 December 2019. Collection method: clinical testing. Allele origin: germline.
Comment: This variant was observed in the ICSL laboratory as part of a predisposition screen in an ostensibly healthy population. It had not been previously curated by ICSL or reported in the Human Gene Mutation Database (HGMD: prior to June 1st, 2018), and was therefore a candidate for classification through an automated scoring system. Utilizing variant allele frequency, disease prevalence and penetrance estimates, and inheritance mode, an automated score was calculated to assess if this variant is too frequent to cause the disease. Based on the score and internal cut-off values, a variant classified as benign is not then subjected to further curation. The score for this variant resulted in a classification of benign for this disease.

NM_003719.5(PDE8B):c.593C>T (p.Ser198Leu)

Gene: PDE8B (phosphodiesterase 8B; plus strand). Cytogenetic location: 5q13.3.
Variant type: single nucleotide variant.
Coding change: c.593C>T on transcript NM_003719.5 (MANE Select); coding-DNA position 593, C replaced by T.
Protein change: p.Ser198Leu; replaces serine 198 with leucine.
Molecular consequence: missense variant.
Genome position (GRCh38, 1-based): chr5:77,329,000, C>T. VCF-style: chr5-77329000-C-T. GRCh37 (hg19) VCF-style: chr5-76624825-C-T.
Other names: c.593C>T, p.Ser198Leu (NM_001029851.4, NM_001029852.4, NM_001029854.4 and 2 more transcripts); c.533C>T, p.Ser178Leu (NM_001029853.4); c.590C>T, p.Ser197Leu (NM_001349748.3, NM_001349751.3, NM_001376065.1); c.656C>T, p.Ser219Leu (NM_001349749.3); c.353C>T, p.Ser118Leu (NM_001349750.3); c.287C>T, p.Ser96Leu (NM_001349752.3, NM_001376071.1); c.221C>T, p.Ser74Leu (NM_001349753.2, NM_001376067.1, NM_001376068.1 and 1 more transcripts); c.290C>T, p.Ser97Leu (NM_001376062.1, NM_001376070.1, NM_001376072.1 and 1 more transcripts); and 2 more; short protein forms S117L, S178L, S96L, S197L, S74L, S77L, S219L, S118L.
Identifiers: ClinVar variation 907272 (VCV000907272.12), dbSNP rs377536938, ClinGen allele CA3314976.